The following is an entry in ClinVar:

NM_199355.4(ADAMTS18):c.2781C>T (p.Asn927=)

Gene: ADAMTS18 (ADAM metallopeptidase with thrombospondin type 1 motif 18; minus strand). Cytogenetic location: 16q23.1.
Variant type: single nucleotide variant.
Coding change: c.2781C>T on transcript NM_199355.4 (MANE Select); coding-DNA position 2781, C replaced by T.
Protein change: p.Asn927=; no amino-acid change (asparagine 927 retained).
Molecular consequence: synonymous variant.
Genome position (GRCh38, 1-based): chr16:77,297,309, G>A on the plus strand (C>T on the coding strand, the complement: ADAMTS18 is on the minus strand). VCF-style: chr16-77297309-G-A. GRCh37 (hg19) VCF-style: chr16-77331206-G-A.
Other names: c.2265C>T, p.Asn755= (NM_001326358.2); c.2781C>T (NM_199355.3).
Identifiers: ClinVar variation 1115627 (VCV001115627.12), dbSNP rs377074746, ClinGen allele CA8180749.

ClinVar aggregate classification (germline): Likely benign. Review status: criteria provided, multiple submitters, no conflicts (2 of 4 stars). 3 submissions from 3 submitters: Likely benign (2). 1 of the submissions does not count toward it. Last evaluated 2026-01-29.

Conditions:
ADAMTS18-related disorder. Also called: ADAMTS18-related condition.

Allele frequency attached by ClinVar (database versions not stated): gnomAD 0.00010; gnomAD exomes 0.00010; ExAC 0.00012; ESP Exome Variant Server 0.00015.
gnomAD v4.1: 277 of 1,614,036 alleles (0.017%); highest among the groups gnomAD compares: Middle Eastern, 0.033%; no homozygotes.

Submissions (3):

Labcorp Genetics (formerly Invitae), Labcorp
Classification: Likely benign. Last evaluated: 2026-01-29. Review status: criteria provided, single submitter. Criteria: Invitae Variant Classification Sherloc (09022015). Collection method: clinical testing. Allele origin: germline.

Blueprint Genetics
Classification: Likely benign. Last evaluated: 2024-06-04. Review status: criteria provided, single submitter. Criteria: ACMG Guidelines, 2015. Collection method: clinical testing. Allele origin: germline.

PreventionGenetics, part of Exact Sciences
Classification: Likely benign for ADAMTS18-related condition. Last evaluated: 2020-02-19. Review status: no assertion criteria provided. Collection method: clinical testing. Allele origin: germline. Not counted in ClinVar's aggregate classification.
Comment: This variant is classified as likely benign based on ACMG/AMP sequence variant interpretation guidelines (Richards et al. 2015 PMID: 25741868, with internal and published modifications).